The following is an entry in ClinVar:

ClinVar aggregate classification (germline): Uncertain significance (1 of 4 stars; one submission).

Conditions:
Dilated cardiomyopathy 1O (CMD1O). Also called: CARDIOMYOPATHY, DILATED, WITH VENTRICULAR TACHYCARDIA. Identifiers: Orphanet 154, MedGen C1837839, MONDO:0012062, OMIM 608569.

Submission:

Labcorp Genetics (formerly Invitae), Labcorp
Classification: Uncertain significance for Dilated cardiomyopathy 1O. Last evaluated: 2023-12-21. Review status: criteria provided, single submitter. Criteria: Invitae Variant Classification Sherloc (09022015). Collection method: clinical testing. Allele origin: germline.
Comment: This sequence change replaces serine, which is neutral and polar, with phenylalanine, which is neutral and non-polar, at codon 737 of the ABCC9 protein (p.Ser737Phe). This variant is not present in population databases (gnomAD no frequency). This variant has not been reported in the literature in individuals affected with ABCC9-related conditions. Advanced modeling of protein sequence and biophysical properties (such as structural, functional, and spatial information, amino acid conservation, physicochemical variation, residue mobility, and thermodynamic stability) has been performed at Invitae for this missense variant, however the output from this modeling did not meet the statistical confidence thresholds required to predict the impact of this variant on ABCC9 protein function. In summary, the available evidence is currently insufficient to determine the role of this variant in disease. Therefore, it has been classified as a Variant of Uncertain Significance.

NM_020297.4(ABCC9):c.2210C>T (p.Ser737Phe)

Gene: ABCC9 (ATP binding cassette subfamily C member 9; minus strand). Cytogenetic location: 12p12.1.
Variant type: single nucleotide variant.
Coding change: c.2210C>T on transcript NM_020297.4 (MANE Select); coding-DNA position 2210, C replaced by T.
Protein change: p.Ser737Phe; replaces serine 737 with phenylalanine.
Molecular consequence: missense variant.
Genome position (GRCh38, 1-based): chr12:21,864,466, G>A on the plus strand (C>T on the coding strand, the complement: ABCC9 is on the minus strand). VCF-style: chr12-21864466-G-A. GRCh37 (hg19) VCF-style: chr12-22017400-G-A.
Other names: c.2210C>T, p.Ser737Phe (NM_001377273.1, NM_005691.4); c.1346C>T, p.Ser449Phe (NM_001377274.1); short protein forms S737F, S449F.
Identifiers: ClinVar variation 2841836 (VCV002841836.3), dbSNP rs2541249379, ClinGen allele CA384130521.